The following is an entry in ClinVar:

ClinVar aggregate classification (germline): Uncertain significance (1 of 4 stars; one submission).

Conditions:
Joubert syndrome 23 (JBTS23). Identifiers: Orphanet 475, MedGen C4084822, MONDO:0014664, OMIM 616490.
Short-rib thoracic dysplasia 14 with polydactyly (SRTD14). Identifiers: Orphanet 397715, MedGen C4225286, MONDO:0014688, OMIM 616546.

Allele frequency attached by ClinVar (database versions not stated): gnomAD exomes 0.00001; gnomAD 0.00002; TOPMed 0.00002.
gnomAD v4.1: 22 of 1,547,150 alleles (0.0014%); highest among the groups gnomAD compares: Admixed American, 0.006%; no homozygotes.

Submission:

Labcorp Genetics (formerly Invitae), Labcorp
Classification: Uncertain significance for Joubert syndrome 23; Short-rib thoracic dysplasia 14 with polydactyly. Last evaluated: 2023-07-21. Review status: criteria provided, single submitter. Criteria: Invitae Variant Classification Sherloc (09022015). Collection method: clinical testing. Allele origin: germline.
Comment: In summary, the available evidence is currently insufficient to determine the role of this variant in disease. Therefore, it has been classified as a Variant of Uncertain Significance. Advanced modeling of protein sequence and biophysical properties (such as structural, functional, and spatial information, amino acid conservation, physicochemical variation, residue mobility, and thermodynamic stability) performed at Invitae indicates that this missense variant is expected to disrupt KIAA0586 protein function. ClinVar contains an entry for this variant (Variation ID: 2203192). This variant has not been reported in the literature in individuals affected with KIAA0586-related conditions. This variant is present in population databases (no rsID available, gnomAD 0.01%). This sequence change replaces valine, which is neutral and non-polar, with methionine, which is neutral and non-polar, at codon 1349 of the KIAA0586 protein (p.Val1349Met).

NM_001329943.3(KIAA0586):c.3886G>A (p.Val1296Met)

Gene: KIAA0586 (KIAA0586; plus strand). Cytogenetic location: 14q23.1.
Variant type: single nucleotide variant.
Coding change: c.3886G>A on transcript NM_001329943.3 (MANE Select); coding-DNA position 3886, G replaced by A.
Protein change: p.Val1296Met; replaces valine 1296 with methionine.
Molecular consequence: missense variant. On other transcripts: intron variant (1).
Genome position (GRCh38, 1-based): chr14:58,492,171, G>A. VCF-style: chr14-58492171-G-A. GRCh37 (hg19) VCF-style: chr14-58958889-G-A.
Other names: c.4045G>A, p.Val1349Met (NM_001244189.2); c.3841G>A, p.Val1281Met (NM_001244190.2); c.3631G>A, p.Val1211Met (NM_001244191.2, NM_001329945.2, NM_001364700.1 and 1 more transcripts); c.3754G>A, p.Val1252Met (NM_001244192.2); c.3466G>A, p.Val1156Met (NM_001244193.2); c.3886G>A, p.Val1296Met (NM_001329944.2, NM_001329946.2); c.3658G>A, p.Val1220Met (NM_014749.5); c.3858+1931G>A (NM_001329947.2); short protein forms V1281M, V1349M, V1211M, V1252M, V1296M, V1156M, V1220M.
Identifiers: ClinVar variation 2203192 (VCV002203192.2), dbSNP rs965772229, ClinGen allele CA261650021.
Genomic context (GRCh38, chr14:58,492,171, plus strand): 5'-TATTTTTATTAATTGTCTTTATGTTTCTTTTAGGAGGATGATCCTCCTAGTGAAGGGCAA[G>A]TGATTAGGATGTCCCATAAAAAATTTCATGCAGATGCAATTCTTTCTTTTGCTAAACAAA-3'
Protein context (NP_001316872.1, residues 1286-1306): MEDDPPSEGQ[Val1296Met]IRMSHKKFHA